The following is an entry in ClinVar:

NM_183075.3(CYP2U1):c.471del (p.Ile158fs)

Genes: CYP2U1 (cytochrome P450 family 2 subfamily U member 1; plus strand), CYP2U1-AS1 (CYP2U1 and SGMS2 antisense RNA 1; minus strand), LOC129992929 (ATAC-STARR-seq lymphoblastoid active region 21791; plus strand). Cytogenetic location: 4q25.
Variant type: Deletion.
Coding change: c.471del on transcript NM_183075.3 (MANE Select); coding-DNA position 471, one base deleted (C; older notation c.471delC).
Protein change: p.Ile158fs; shifts the reading frame from isoleucine 158.
Molecular consequence: frameshift variant. On other transcripts: non-coding transcript variant (1).
Genome position (GRCh38, 1-based): chr4:107,932,114, C deleted; the last of 2 consecutive C bases (chr4:107,932,113-107,932,114); deleting either gives the same sequence. VCF-style (leftmost placement, unchanged base first): chr4-107932112-TC-T. GRCh37 (hg19) VCF-style: chr4-108853268-TC-T.
Other names: short protein forms I158fs.
Identifiers: ClinVar variation 655971 (VCV000655971.5), dbSNP rs768640920, ClinGen allele CA3036998.
Genomic context (GRCh38, chr4:107,932,112, plus strand): 5'-CGCGAGGCGCTGGTGCAGCAGGCCGAGGTCTTCAGCGACCGCCCGCGGGTGCCGCTCATC[TC>T]CATCGTGACCAAGGAGAAGGGTGAGCGGGAGGTCGTGGGCTGTGGGTACGCGGATGCCGC-3'

ClinVar aggregate classification (germline): Pathogenic/Likely pathogenic. Review status: criteria provided, multiple submitters, no conflicts (2 of 4 stars). 2 submissions from 2 submitters: Pathogenic (1); Likely pathogenic (1). Last evaluated 2022-06-26.

Conditions:
Spastic paraplegia. Identifiers: MedGen C0037772, HP:0001258.
Hereditary spastic paraplegia 56. Also called: Spastic paraplegia 56, autosomal recessive; Spastic Paraplegia 56; SPASTIC PARAPLEGIA 56, AUTOSOMAL RECESSIVE, WITH OR WITHOUT PSEUDOXANTHOMA ELASTICUM. Identifiers: Orphanet 320411, MedGen C3539507, MONDO:0014015, OMIM 615030.

Submissions (2):

Labcorp Genetics (formerly Invitae), Labcorp
Classification: Pathogenic for Spastic paraplegia. Last evaluated: 2022-06-26. Review status: criteria provided, single submitter. Criteria: Invitae Variant Classification Sherloc (09022015). Collection method: clinical testing. Allele origin: germline.
Comment: This sequence change creates a premature translational stop signal (p.Ile158Serfs*2) in the CYP2U1 gene. It is expected to result in an absent or disrupted protein product. Loss-of-function variants in CYP2U1 are known to be pathogenic (PMID: 23176821, 26936192, 27292318). This variant is present in population databases (rs768640920, gnomAD 0.1%). This variant has not been reported in the literature in individuals affected with CYP2U1-related conditions. ClinVar contains an entry for this variant (Variation ID: 655971). For these reasons, this variant has been classified as Pathogenic.

Juno Genomics, Hangzhou Juno Genomics, Inc
Classification: Likely pathogenic for Hereditary spastic paraplegia 56. Review status: criteria provided, single submitter. Criteria: ACMG Guidelines, 2015. Collection method: clinical testing. Allele origin: germline. Affected: yes.
Comment: Absent from controls (or at extremely low frequency if recessive) in Genome Aggregation Database, Exome Sequencing Project, 1000 Genomes Project, or Exome Aggregation Consortium.;Null variant in a gene where loss of function (LOF) is a known mechanism of disease.

Literature cited by the submitters: PubMed 23176821 (cited by Labcorp Genetics (formerly Invitae), Labcorp); PubMed 26936192 (cited by Labcorp Genetics (formerly Invitae), Labcorp); PubMed 27292318 (cited by Labcorp Genetics (formerly Invitae), Labcorp).